The following is an entry in ClinVar:

ClinVar aggregate classification (germline): Uncertain significance (1 of 4 stars; one submission).

Conditions:
Nemaline myopathy 2 (NEM2). Also called: Nemaline myopathy 2, autosomal recessive. Identifiers: MedGen C1850569, MONDO:0009725, OMIM 256030.

Submission:

Labcorp Genetics (formerly Invitae), Labcorp
Classification: Uncertain significance for Nemaline myopathy 2. Last evaluated: 2025-06-08. Review status: criteria provided, single submitter. Criteria: Invitae Variant Classification Sherloc (09022015). Collection method: clinical testing. Allele origin: germline.
Comment: This sequence change replaces asparagine, which is neutral and polar, with histidine, which is basic and polar, at codon 1158 of the NEB protein (p.Asn1158His). This variant is not present in population databases (gnomAD no frequency). This variant has not been reported in the literature in individuals affected with NEB-related conditions. Experimental studies and prediction algorithms are not available or were not evaluated, and the functional significance of this variant is currently unknown. In summary, the available evidence is currently insufficient to determine the role of this variant in disease. Therefore, it has been classified as a Variant of Uncertain Significance.

NM_001164508.2(NEB):c.3472A>C (p.Asn1158His)

Gene: NEB (nebulin; minus strand). Cytogenetic location: 2q23.3.
Variant type: single nucleotide variant.
Coding change: c.3472A>C on transcript NM_001164508.2 (MANE Select); coding-DNA position 3472, A replaced by C.
Protein change: p.Asn1158His; replaces asparagine 1158 with histidine.
Molecular consequence: missense variant.
Genome position (GRCh38, 1-based): chr2:151,677,971, T>G on the plus strand (A>C on the coding strand, the complement: NEB is on the minus strand). VCF-style: chr2-151677971-T-G. GRCh37 (hg19) VCF-style: chr2-152534485-T-G.
Other names: c.3472A>C, p.Asn1158His (NM_001164507.2, NM_001271208.2, NM_004543.5); short protein forms N1158H.
Identifiers: ClinVar variation 4720823 (VCV004720823.1).